The following is an entry in ClinVar:

ClinVar aggregate classification (germline): Uncertain significance (1 of 4 stars; one submission).

Allele frequency attached by ClinVar (database versions not stated): TOPMed below 0.00001.
gnomAD v4.1: 1 of 1,193,564 alleles (0.000084%); highest among the groups gnomAD compares: Admixed American, 0.0045%; no homozygotes.

Submission:

Labcorp Genetics (formerly Invitae), Labcorp
Classification: Uncertain significance. Last evaluated: 2022-05-13. Review status: criteria provided, single submitter. Criteria: Invitae Variant Classification Sherloc (09022015). Collection method: clinical testing. Allele origin: germline.
Comment: In summary, the available evidence is currently insufficient to determine the role of this variant in disease. Therefore, it has been classified as a Variant of Uncertain Significance. Algorithms developed to predict the effect of missense changes on protein structure and function (SIFT, PolyPhen-2, Align-GVGD) all suggest that this variant is likely to be tolerated. This sequence change replaces glycine, which is neutral and non-polar, with arginine, which is basic and polar, at codon 67 of the NXN protein (p.Gly67Arg). This variant is not present in population databases (gnomAD no frequency). This variant has not been reported in the literature in individuals affected with NXN-related conditions.

NM_022463.5(NXN):c.199G>C (p.Gly67Arg)

Gene: NXN (nucleoredoxin; minus strand). Cytogenetic location: 17p13.3.
Variant type: single nucleotide variant.
Coding change: c.199G>C on transcript NM_022463.5 (MANE Select); coding-DNA position 199, G replaced by C.
Protein change: p.Gly67Arg; replaces glycine 67 with arginine.
Molecular consequence: missense variant.
Genome position (GRCh38, 1-based): chr17:979,480, C>G on the plus strand (G>C on the coding strand, the complement: NXN is on the minus strand). VCF-style: chr17-979480-C-G. GRCh37 (hg19) VCF-style: chr17-882720-C-G.
Other names: short protein forms G67R.
Identifiers: ClinVar variation 1905746 (VCV001905746.5), dbSNP rs1313690052, ClinGen allele CA397511653.
Genomic context (GRCh38, chr17:979,480, plus strand): 5'-CCAGGCGCCGCCGCGGCTCGGGCTCCGCCGCCGCCCCGGCCCCCGCTCCCGGCCCCGGCC[C>G]GGCCGCCGCGTCCCCCCGCAGGCGCCCGTAGAAGGCGGCCAGGCTGGCGCTGAGCTGCGC-3'
Protein context (NP_071908.2, residues 57-77): YGRLRGDAAA[Gly67Arg]PGPGAGAGAA